The following is an entry in ClinVar:

NM_199420.4(POLQ):c.7561A>G (p.Lys2521Glu)

Gene: POLQ (DNA polymerase theta; minus strand). Cytogenetic location: 3q13.33.
Variant type: single nucleotide variant.
Coding change: c.7561A>G on transcript NM_199420.4 (MANE Select); coding-DNA position 7561, A replaced by G.
Protein change: p.Lys2521Glu; replaces lysine 2521 with glutamic acid.
Molecular consequence: missense variant.
Genome position (GRCh38, 1-based): chr3:121,433,016, T>C on the plus strand (A>G on the coding strand, the complement: POLQ is on the minus strand). VCF-style: chr3-121433016-T-C. GRCh37 (hg19) VCF-style: chr3-121151863-T-C.
Other names: short protein forms K2521E.
Identifiers: ClinVar variation 2625732 (VCV002625732.2), dbSNP rs1426603372, ClinGen allele CA354094010.
Genomic context (GRCh38, chr3:121,433,016, plus strand): 5'-CATCATGGAGTTGAAGGATGAAGAAGCCTCCTCTGATTGGGCAGAACATCCCTTGCAGTT[T>C]TCTCTTTCGTGACAATCCTACTTCATGAAAAAGGAGCAAAACTGATCAGCATGTCGCTAA-3'
Protein context (NP_955452.3, residues 2511-2531): SDQTGLSRKR[Lys2521Glu]LQGMFCPIRG

ClinVar aggregate classification (germline): Uncertain significance (1 of 4 stars; one submission).

Allele frequency attached by ClinVar (database versions not stated): TOPMed below 0.00001; gnomAD 0.00001.
gnomAD v4.1: 2 of 1,607,672 alleles (0.00012%); highest among the groups gnomAD compares: African/African-American, 0.0027%; no homozygotes.

Submission:

Ambry Genetics
Classification: Uncertain significance. Last evaluated: 2023-07-27. Review status: criteria provided, single submitter. Criteria: Ambry Variant Classification Scheme 2023. Collection method: clinical testing. Allele origin: germline.
Comment: The p.K2521E variant (also known as c.7561A>G), located in coding exon 29 of the POLQ gene, results from an A to G substitution at nucleotide position 7561. The lysine at codon 2521 is replaced by glutamic acid, an amino acid with similar properties. This amino acid position is conserved. In addition, this alteration is predicted to be tolerated by in silico analysis. Since supporting evidence is limited at this time, the clinical significance of this alteration remains unclear.